The following is an entry in ClinVar:

ClinVar aggregate classification (germline): Uncertain significance. Review status: criteria provided, multiple submitters, no conflicts (2 of 4 stars). 4 submissions from 4 submitters: Uncertain significance (4). Last evaluated 2025-07-31.

Conditions:
Brody myopathy. Also called: BRODY DISEASE. Identifiers: Orphanet 53347, MedGen C1832918, MONDO:0010977, OMIM 601003.
Inborn genetic diseases. Identifiers: MedGen C0950123, MeSH D030342.

Allele frequency attached by ClinVar (database versions not stated): ExAC 0.00001; gnomAD exomes 0.00001 and 0.00003; TOPMed 0.00003; gnomAD 0.00006; 1000 Genomes Project 30x 0.00016; 1000 Genomes Project 0.00020.
gnomAD v4.1: 27 of 1,613,870 alleles (0.0017%); highest among the groups gnomAD compares: Admixed American, 0.017%; no homozygotes.

Submissions (4):

Ambry Genetics
Classification: Uncertain significance for Inborn genetic diseases. Last evaluated: 2025-07-31. Review status: criteria provided, single submitter. Criteria: Ambry Variant Classification Scheme 2023. Collection method: clinical testing. Allele origin: germline.

GeneDx
Classification: Uncertain significance. Last evaluated: 2022-12-23. Review status: criteria provided, single submitter. Criteria: GeneDx Variant Classification Process June 2021. Collection method: clinical testing. Allele origin: germline. Affected: yes.
Comment: In silico analysis supports that this missense variant has a deleterious effect on protein structure/function; Has not been previously published as pathogenic or benign to our knowledge

Labcorp Genetics (formerly Invitae), Labcorp
Classification: Uncertain significance for Brody myopathy. Last evaluated: 2022-11-01. Review status: criteria provided, single submitter. Criteria: Invitae Variant Classification Sherloc (09022015). Collection method: clinical testing. Allele origin: germline.
Comment: This sequence change replaces proline, which is neutral and non-polar, with arginine, which is basic and polar, at codon 926 of the ATP2A1 protein (p.Pro926Arg). In summary, the available evidence is currently insufficient to determine the role of this variant in disease. Therefore, it has been classified as a Variant of Uncertain Significance. Algorithms developed to predict the effect of missense changes on protein structure and function are either unavailable or do not agree on the potential impact of this missense change (SIFT: "Deleterious"; PolyPhen-2: "Probably Damaging"; Align-GVGD: "Class C0"). ClinVar contains an entry for this variant (Variation ID: 1439377). This variant has not been reported in the literature in individuals affected with ATP2A1-related conditions. This variant is present in population databases (rs528721981, gnomAD 0.01%).

Revvity Omics, Revvity
Classification: Uncertain significance for Brody myopathy. Last evaluated: 2022-07-21. Review status: criteria provided, single submitter. Criteria: ACMG Guidelines, 2015. Collection method: clinical testing. Allele origin: germline.

NM_004320.6(ATP2A1):c.2777C>G (p.Pro926Arg)

Gene: ATP2A1 (ATPase sarcoplasmic/endoplasmic reticulum Ca2+ transporting 1; plus strand). Cytogenetic location: 16p11.2.
Variant type: single nucleotide variant.
Coding change: c.2777C>G on transcript NM_004320.6 (MANE Select); coding-DNA position 2777, C replaced by G.
Protein change: p.Pro926Arg; replaces proline 926 with arginine.
Molecular consequence: missense variant.
Genome position (GRCh38, 1-based): chr16:28,903,062, C>G. VCF-style: chr16-28903062-C-G. GRCh37 (hg19) VCF-style: chr16-28914383-C-G.
Other names: c.2402C>G, p.Pro801Arg (NM_001286075.2); c.2777C>G, p.Pro926Arg (NM_173201.5); c.2777C>G (NM_173201.3, NM_173201.4); short protein forms P801R, P926R.
Identifiers: ClinVar variation 1439377 (VCV001439377.11), dbSNP rs528721981, ClinGen allele CA7987404.